The following is an entry in ClinVar:

ClinVar aggregate classification (germline): Likely benign. Review status: criteria provided, multiple submitters, no conflicts (2 of 4 stars). 2 submissions from 2 submitters: Likely benign (2). Last evaluated 2026-03-01.

gnomAD v4.1: 20 of 1,614,180 alleles (0.0012%); highest among the groups gnomAD compares: Admixed American, 0.0067%; no homozygotes.

Submissions (2):

CeGaT Center for Human Genetics Tuebingen
Classification: Likely benign. Last evaluated: 2026-03-01. Review status: criteria provided, single submitter. Criteria: CeGaT Center For Human Genetics Tuebingen Variant Classification Criteria Version 2. Collection method: clinical testing. Allele origin: germline. Affected: yes. Observed: 1 variant allele.
Comment: SRCAP: BP4, BP7

Blueprint Genetics
Classification: Likely benign. Last evaluated: 2021-06-21. Review status: criteria provided, single submitter. Criteria: ACMG Guidelines, 2015. Collection method: clinical testing. Allele origin: germline.

NM_006662.3(SRCAP):c.6111C>T (p.Leu2037=)

Gene: SRCAP (Snf2 related CREBBP activator protein; plus strand). Cytogenetic location: 16p11.2.
Variant type: single nucleotide variant.
Coding change: c.6111C>T on transcript NM_006662.3 (MANE Select); coding-DNA position 6111, C replaced by T.
Protein change: p.Leu2037=; no amino-acid change (leucine 2037 retained).
Molecular consequence: synonymous variant.
Genome position (GRCh38, 1-based): chr16:30,729,556, C>T. VCF-style: chr16-30729556-C-T. GRCh37 (hg19) VCF-style: chr16-30740877-C-T.
Identifiers: ClinVar variation 4822061 (VCV004822061.5).